The following is an entry in ClinVar:

NM_001128425.2(MUTYH):c.169A>T (p.Met57Leu)

Gene: MUTYH (mutY DNA glycosylase; minus strand). Cytogenetic location: 1p34.1.
Variant type: single nucleotide variant.
Coding change: c.169A>T on transcript NM_001128425.2 (MANE Plus Clinical); coding-DNA position 169, A replaced by T.
Protein change: p.Met57Leu; replaces methionine 57 with leucine.
Molecular consequence: missense variant. On other transcripts: initiator codon variant (1), intron variant (24).
Genome position (GRCh38, 1-based): chr1:45,333,592, T>A on the plus strand (A>T on the coding strand, the complement: MUTYH is on the minus strand). VCF-style: chr1-45333592-T-A. GRCh37 (hg19) VCF-style: chr1-45799264-T-A.
Other names: c.118A>T, p.Met40Leu (NM_001293191.2, NM_001407077.1); c.160A>T, p.Met54Leu (NM_001407069.1, NM_012222.3); c.1A>T, p.Met1Leu (NM_001407075.1); c.127A>T, p.Met43Leu (NM_001407083.1, NM_001407085.1); c.116-31A>T (NM_001407072.1, NM_001048171.2, NM_001407070.1 and 7 more transcripts); c.-92-95A>T (NM_001350651.2, NM_001407082.1); c.-97-95A>T (NM_001293192.2, NM_001293196.2, NM_001407091.1); c.-156-31A>T (NM_001350650.2); and 4 more; short protein forms M1L, M40L, M43L, M54L, M57L.
Identifiers: ClinVar variation 3400138 (VCV003400138.1).
Genomic context (GRCh38, chr1:45,333,592, plus strand): 5'-ATACCACCTCTTCCGGCTGCCTGGCCAGGCCTGCTGGGGCCCCAGGACACTCAGCAATCA[T>A]CCCTGCACAGGCTGTGCATCAGGGTCTTGGGACACAGCAGCCTGTGGCAGTATGCTCCCA-3'
Protein context (NP_001121897.1, residues 47-67): KPSACDACAG[Met57Leu]IAECPGAPAG

ClinVar aggregate classification (germline): Uncertain significance (1 of 4 stars; one submission).

Conditions:
Hereditary cancer-predisposing syndrome. Also called: Hereditary Cancer Syndrome; Tumor predisposition; Hereditary neoplastic syndrome; Neoplastic Syndromes, Hereditary. Identifiers: Orphanet 140162, MedGen C0027672, MeSH D009386, MONDO:0015356.

Submission:

Ambry Genetics
Classification: Uncertain significance for Hereditary cancer-predisposing syndrome. Last evaluated: 2024-08-25. Review status: criteria provided, single submitter. Criteria: Ambry Variant Classification Scheme 2023. Collection method: clinical testing. Allele origin: germline.
Comment: The p.M57L variant (also known as c.169A>T), located in coding exon 3 of the MUTYH gene, results from an A to T substitution at nucleotide position 169. The methionine at codon 57 is replaced by leucine, an amino acid with highly similar properties. This amino acid position is conserved. In addition, this alteration is predicted to be tolerated by in silico analysis. Based on the available evidence, the clinical significance of this variant remains unclear.